The following is an entry in ClinVar:

ClinVar aggregate classification (germline): Uncertain significance. Review status: criteria provided, multiple submitters, no conflicts (2 of 4 stars). 2 submissions from 2 submitters: Uncertain significance (2). Last evaluated 2022-10-05.

gnomAD v4.1: 60 of 1,614,082 alleles (0.0037%); highest among the groups gnomAD compares: Non-Finnish European, 0.0048%; no homozygotes.

Submissions (2):

Labcorp Genetics (formerly Invitae), Labcorp
Classification: Uncertain significance. Last evaluated: 2022-10-05. Review status: criteria provided, single submitter. Criteria: Invitae Variant Classification Sherloc (09022015). Collection method: clinical testing. Allele origin: germline.
Comment: In summary, the available evidence is currently insufficient to determine the role of this variant in disease. Therefore, it has been classified as a Variant of Uncertain Significance. Algorithms developed to predict the effect of missense changes on protein structure and function are either unavailable or do not agree on the potential impact of this missense change (SIFT: "Tolerated"; PolyPhen-2: "Possibly Damaging"; Align-GVGD: "Class C0"). This variant has not been reported in the literature in individuals affected with MCM4-related conditions. This variant is present in population databases (rs749518983, gnomAD 0.006%). This sequence change replaces glycine, which is neutral and non-polar, with aspartic acid, which is acidic and polar, at codon 109 of the MCM4 protein (p.Gly109Asp).

Ambry Genetics
Classification: Uncertain significance. Last evaluated: 2022-10-04. Review status: criteria provided, single submitter. Criteria: Ambry Variant Classification Scheme 2023. Collection method: clinical testing. Allele origin: germline.

NM_182746.3(MCM4):c.326G>A (p.Gly109Asp)

Gene: MCM4 (minichromosome maintenance complex component 4; plus strand). Cytogenetic location: 8q11.21.
Variant type: single nucleotide variant.
Coding change: c.326G>A on transcript NM_182746.3 (MANE Select); coding-DNA position 326, G replaced by A.
Protein change: p.Gly109Asp; replaces glycine 109 with aspartic acid.
Molecular consequence: missense variant.
Genome position (GRCh38, 1-based): chr8:47,962,143, G>A. VCF-style: chr8-47962143-G-A. GRCh37 (hg19) VCF-style: chr8-48874703-G-A.
Other names: c.326G>A, p.Gly109Asp (NM_005914.4); c.326G>A (NM_005914.3); short protein forms G109D.
Identifiers: ClinVar variation 2295612 (VCV002295612.8), dbSNP rs749518983, ClinGen allele CA4742257.